The following is an entry in ClinVar:

NM_006831.3(CLP1):c.491G>A (p.Gly164Glu)

Gene: CLP1 (cleavage factor polyribonucleotide kinase subunit 1; plus strand). Cytogenetic location: 11q12.1.
Variant type: single nucleotide variant.
Coding change: c.491G>A on transcript NM_006831.3 (MANE Select); coding-DNA position 491, G replaced by A.
Protein change: p.Gly164Glu; replaces glycine 164 with glutamic acid.
Molecular consequence: missense variant. On other transcripts: intron variant (1).
Genome position (GRCh38, 1-based): chr11:57,659,967, G>A. VCF-style: chr11-57659967-G-A. GRCh37 (hg19) VCF-style: chr11-57427439-G-A.
Other names: c.414+77G>A (NM_001142597.2); short protein forms G164E.
Identifiers: ClinVar variation 3660714 (VCV003660714.2).

ClinVar aggregate classification (germline): Uncertain significance (1 of 4 stars; one submission).

Submission:

Labcorp Genetics (formerly Invitae), Labcorp
Classification: Uncertain significance. Last evaluated: 2024-07-30. Review status: criteria provided, single submitter. Criteria: Invitae Variant Classification Sherloc (09022015). Collection method: clinical testing. Allele origin: germline.
Comment: This sequence change replaces glycine, which is neutral and non-polar, with glutamic acid, which is acidic and polar, at codon 164 of the CLP1 protein (p.Gly164Glu). This variant is not present in population databases (gnomAD no frequency). This variant has not been reported in the literature in individuals affected with CLP1-related conditions. Advanced modeling of protein sequence and biophysical properties (such as structural, functional, and spatial information, amino acid conservation, physicochemical variation, residue mobility, and thermodynamic stability) performed at Invitae indicates that this missense variant is expected to disrupt CLP1 protein function with a positive predictive value of 80%. In summary, the available evidence is currently insufficient to determine the role of this variant in disease. Therefore, it has been classified as a Variant of Uncertain Significance.